The following is an entry in ClinVar:

ClinVar aggregate classification (germline): Uncertain significance (1 of 4 stars; one submission).

Conditions:
Polycystic kidney disease, adult type (PKD1). Also called: Polycystic Kidney, Autosomal Dominant; POLYCYSTIC KIDNEY DISEASE, ADULT, TYPE I; Polycystic Kidney Disease 1, Autosomal Dominant; Polycystic kidney disease 1; Polycystic kidney disease 1, severe; POLYCYSTIC KIDNEY DISEASE 1 WITH OR WITHOUT POLYCYSTIC LIVER DISEASE. Identifiers: MedGen C3149841, MONDO:0008263, OMIM 173900.

Submission:

3billion
Classification: Uncertain significance for Polycystic kidney disease, adult type. Last evaluated: 2025-08-07. Review status: criteria provided, single submitter. Criteria: ACMG Guidelines, 2015. Collection method: clinical testing. Allele origin: germline. Affected: yes.
Comment: The variant is not observed in the gnomAD v4.1.0 dataset. Predicted Consequence/Location: Missense variant Damaging effect on gene or gene product predicted by in silico programs is uncertain [REVEL: 0.33 (damaging >=0.6, benign <0.4), 3Cnet: 0.44 (damaging >0.75, benign <0.1)]. Different missense changes at the same codon have been reported as of uncertain significance (ClinVar ID: VCV003342269, VCV003579855). Therefore, this variant is classified as VUS according to the recommendation of ACMG/AMP guideline.

NM_001009944.3(PKD1):c.145G>T (p.Val49Phe)

Gene: PKD1 (polycystin 1, transient receptor potential channel interacting; minus strand). Cytogenetic location: 16p13.3.
Variant type: single nucleotide variant.
Coding change: c.145G>T on transcript NM_001009944.3 (MANE Select); coding-DNA position 145, G replaced by T.
Protein change: p.Val49Phe; replaces valine 49 with phenylalanine.
Molecular consequence: missense variant.
Genome position (GRCh38, 1-based): chr16:2,135,545, C>A on the plus strand (G>T on the coding strand, the complement: PKD1 is on the minus strand). VCF-style: chr16-2135545-C-A. GRCh37 (hg19) VCF-style: chr16-2185546-C-A.
Other names: c.145G>T, p.Val49Phe (NM_000296.4); short protein forms V49F.
Identifiers: ClinVar variation 4855055 (VCV004855055.1).